The following is an entry in ClinVar:

ClinVar aggregate classification (germline): Likely benign. Review status: criteria provided, multiple submitters, no conflicts (2 of 4 stars). 3 submissions from 3 submitters: Likely benign (3). Last evaluated 2026-03-01.

Allele frequency attached by ClinVar (database versions not stated): 1000 Genomes Project 30x 0.00172; 1000 Genomes Project 0.00180; TOPMed 0.00414; ExAC 0.00438; gnomAD exomes 0.00438 and 0.00701; gnomAD 0.00466 and 0.00477; ESP Exome Variant Server 0.00592.
gnomAD v4.1: 10,650 of 1,579,604 alleles (0.67%); highest among the groups gnomAD compares: Non-Finnish European, 0.82%; 67 homozygotes.

Submissions (3):

CeGaT Center for Human Genetics Tuebingen
Classification: Likely benign. Last evaluated: 2026-03-01. Review status: criteria provided, single submitter. Criteria: CeGaT Center For Human Genetics Tuebingen Variant Classification Criteria Version 2. Collection method: clinical testing. Allele origin: germline. Affected: yes. Observed: 5 variant alleles.
Comment: ANKRD55: BP4, BS2

Labcorp Genetics (formerly Invitae), Labcorp
Classification: Likely benign. Last evaluated: 2018-03-30. Review status: criteria provided, single submitter. Criteria: Invitae Variant Classification Sherloc (09022015). Collection method: clinical testing. Allele origin: germline.

Breakthrough Genomics
Classification: Likely benign. Review status: criteria provided, single submitter. Criteria: ACMG Guidelines, 2015. Collection method: not provided. Allele origin: germline. Inheritance: Unknown mechanism. Affected: yes.

NM_024669.3(ANKRD55):c.1126T>C (p.Ser376Pro)

Gene: ANKRD55 (ankyrin repeat domain 55; minus strand). Cytogenetic location: 5q11.2.
Variant type: single nucleotide variant.
Coding change: c.1126T>C on transcript NM_024669.3 (MANE Select); coding-DNA position 1126, T replaced by C.
Protein change: p.Ser376Pro; replaces serine 376 with proline.
Molecular consequence: missense variant.
Genome position (GRCh38, 1-based): chr5:56,111,622, A>G on the plus strand (T>C on the coding strand, the complement: ANKRD55 is on the minus strand). VCF-style: chr5-56111622-A-G. GRCh37 (hg19) VCF-style: chr5-55407449-A-G.
Other names: short protein forms S376P.
Identifiers: ClinVar variation 719615 (VCV000719615.28), dbSNP rs77017041, ClinGen allele CA3272006.